The following is an entry in ClinVar:

NM_145117.5(NAV2):c.2319C>T (p.Ser773=)

Gene: NAV2 (neuron navigator 2; plus strand). Cytogenetic location: 11p15.1.
Variant type: single nucleotide variant.
Coding change: c.2319C>T on transcript NM_145117.5 (MANE Select); coding-DNA position 2319, C replaced by T.
Protein change: p.Ser773=; no amino-acid change (serine 773 retained).
Molecular consequence: synonymous variant.
Genome position (GRCh38, 1-based): chr11:19,948,754, C>T. VCF-style: chr11-19948754-C-T. GRCh37 (hg19) VCF-style: chr11-19970300-C-T.
Other names: c.2127C>T, p.Ser709= (NM_001111018.2); c.2388C>T, p.Ser796= (NM_001244963.2); c.2319C>T, p.Ser773= (NM_182964.6).
Identifiers: ClinVar variation 2641679 (VCV002641679.25), dbSNP rs143426925, ClinGen allele CA5918115.

ClinVar aggregate classification (germline): Likely benign. Review status: criteria provided, single submitter (1 of 4 stars). 2 submissions from 2 submitters: Likely benign (1). 1 of the submissions does not count toward it. Last evaluated 2022-04-01.

Conditions:
NAV2-related disorder. Also called: NAV2-related condition.

Allele frequency attached by ClinVar (database versions not stated): gnomAD exomes 0.00042; gnomAD 0.00049; ExAC 0.00056; TOPMed 0.00057; ESP Exome Variant Server 0.00092.
gnomAD v4.1: 759 of 1,611,918 alleles (0.047%); highest among the groups gnomAD compares: Middle Eastern, 0.25%; 2 homozygotes.

Submissions (2):

CeGaT Center for Human Genetics Tuebingen
Classification: Likely benign. Last evaluated: 2022-04-01. Review status: criteria provided, single submitter. Criteria: CeGaT Center For Human Genetics Tuebingen Variant Classification Criteria Version 2. Collection method: clinical testing. Allele origin: germline. Affected: yes. Observed: 1 variant allele.
Comment: NAV2: BP4, BP7

PreventionGenetics, part of Exact Sciences
Classification: Benign for NAV2-related condition. Last evaluated: 2020-02-07. Review status: no assertion criteria provided. Collection method: clinical testing. Allele origin: germline. Not counted in ClinVar's aggregate classification.
Comment: This variant is classified as benign based on ACMG/AMP sequence variant interpretation guidelines (Richards et al. 2015 PMID: 25741868, with internal and published modifications).